The following is an entry in ClinVar:

ClinVar aggregate classification (germline): Uncertain significance (1 of 4 stars; one submission).

gnomAD v4.1: 2 of 1,612,746 alleles (0.00012%); highest among the groups gnomAD compares: Non-Finnish European, 0.00017%; no homozygotes.

Submission:

Women's Health and Genetics/Laboratory Corporation of America, LabCorp
Classification: Uncertain significance. Last evaluated: 2026-05-18. Review status: criteria provided, single submitter. Criteria: LabCorp Variant Classification Summary - May 2015. Collection method: clinical testing. Allele origin: germline.
Comment: Variant summary: GAN c.654G>A (p.Met218Ile) results in a conservative amino acid change in the encoded protein sequence. Algorithms developed to predict the effect of missense changes on protein structure and function are either unavailable or do not agree on the potential impact of this missense change. The variant was absent in 251478 control chromosomes. The available data on variant occurrences in the general population are insufficient to allow any conclusion about variant significance. To our knowledge, no occurrence of c.654G>A in individuals affected with GAN-related conditions and no experimental evidence demonstrating its impact on protein function have been reported. No submitters have cited clinical-significance assessments for this variant to ClinVar. Based on the evidence outlined above, the variant was classified as uncertain significance.

NM_022041.4(GAN):c.654G>A (p.Met218Ile)

Gene: GAN (gigaxonin; plus strand). Cytogenetic location: 16q23.2.
Variant type: single nucleotide variant.
Coding change: c.654G>A on transcript NM_022041.4 (MANE Select); coding-DNA position 654, G replaced by A.
Protein change: p.Met218Ile; replaces methionine 218 with isoleucine.
Molecular consequence: missense variant.
Genome position (GRCh38, 1-based): chr16:81,356,805, G>A. VCF-style: chr16-81356805-G-A. GRCh37 (hg19) VCF-style: chr16-81390410-G-A.
Other names: c.15G>A, p.Met5Ile (NM_001377486.1); short protein forms M218I, M5I.
Identifiers: ClinVar variation 4852988 (VCV004852988.1).